The following is an entry in ClinVar:

NM_000520.6(HEXA):c.1084A>G (p.Ile362Val)

Gene: HEXA (hexosaminidase subunit alpha; minus strand). Cytogenetic location: 15q23.
Variant type: single nucleotide variant.
Coding change: c.1084A>G on transcript NM_000520.6 (MANE Select); coding-DNA position 1084, A replaced by G.
Protein change: p.Ile362Val; replaces isoleucine 362 with valine.
Molecular consequence: missense variant.
Genome position (GRCh38, 1-based): chr15:72,347,748, T>C on the plus strand (A>G on the coding strand, the complement: HEXA is on the minus strand). VCF-style: chr15-72347748-T-C. GRCh37 (hg19) VCF-style: chr15-72640089-T-C.
Other names: c.1117A>G, p.Ile373Val (NM_001318825.2); short protein forms I362V, I373V.
Identifiers: ClinVar variation 554882 (VCV000554882.6), dbSNP rs771447407, ClinGen allele CA7644811.

ClinVar aggregate classification (germline): Uncertain significance. Review status: criteria provided, multiple submitters, no conflicts (2 of 4 stars). 3 submissions from 3 submitters: Uncertain significance (2). 1 of the submissions does not count toward it. Last evaluated 2024-10-24.

Conditions:
Tay-Sachs disease (TSD). Also called: HEXA Disorders; HEXA DEFICIENCY; Hexosaminidase A Deficiency; GM2 gangliosidosis, type 1; Hexosaminidase alpha-subunit deficiency (variant B); Sphingolipidosis, Tay-Sachs. Identifiers: Orphanet 845, MedGen C0039373, MONDO:0010100, OMIM 272800.

Allele frequency attached by ClinVar (database versions not stated): gnomAD exomes 0.00001 and 0.00004; TOPMed 0.00002; ExAC 0.00004.
gnomAD v4.1: 22 of 1,614,186 alleles (0.0014%); highest among the groups gnomAD compares: East Asian, 0.042%; no homozygotes.

Submissions (3):

Labcorp Genetics (formerly Invitae), Labcorp
Classification: Uncertain significance for Tay-Sachs disease. Last evaluated: 2024-10-24. Review status: criteria provided, single submitter. Criteria: Invitae Variant Classification Sherloc (09022015). Collection method: clinical testing. Allele origin: germline.
Comment: This sequence change replaces isoleucine, which is neutral and non-polar, with valine, which is neutral and non-polar, at codon 362 of the HEXA protein (p.Ile362Val). This variant is present in population databases (rs771447407, gnomAD 0.05%). This variant has not been reported in the literature in individuals affected with HEXA-related conditions. ClinVar contains an entry for this variant (Variation ID: 554882). Invitae Evidence Modeling of protein sequence and biophysical properties (such as structural, functional, and spatial information, amino acid conservation, physicochemical variation, residue mobility, and thermodynamic stability) has been performed for this missense variant. However, the output from this modeling did not meet the statistical confidence thresholds required to predict the impact of this variant on HEXA protein function. In summary, the available evidence is currently insufficient to determine the role of this variant in disease. Therefore, it has been classified as a Variant of Uncertain Significance.

Women's Health and Genetics/Laboratory Corporation of America, LabCorp
Classification: Uncertain significance. Last evaluated: 2024-03-21. Review status: criteria provided, single submitter. Criteria: LabCorp Variant Classification Summary - May 2015. Collection method: clinical testing. Allele origin: germline.
Comment: Variant summary: HEXA c.1084A>G (p.Ile362Val) results in a conservative amino acid change located in the Glycoside hydrolase family 20, catalytic domain (IPR015883) of the encoded protein sequence. Three of five in-silico tools predict a damaging effect of the variant on protein function. The variant allele was found at a frequency of 3.6e-05 in 251480 control chromosomes. The available data on variant occurrences in the general population are insufficient to allow any conclusion about variant significance. To our knowledge, no occurrence of c.1084A>G in individuals affected with Tay-Sachs Disease and no experimental evidence demonstrating its impact on protein function have been reported. ClinVar contains an entry for this variant (Variation ID: 554882). Based on the evidence outlined above, the variant was classified as uncertain significance.

Counsyl
Classification: Uncertain significance for Tay-Sachs disease. Last evaluated: 2017-11-16. Review status: no assertion criteria provided. Collection method: clinical testing. Allele origin: unknown. Not counted in ClinVar's aggregate classification.